The following is an entry in ClinVar:

NM_004629.2(FANCG):c.1572G>A (p.Trp524Ter)

Gene: FANCG (FA complementation group G; minus strand). Cytogenetic location: 9p13.3.
Variant type: single nucleotide variant.
Coding change: c.1572G>A on transcript NM_004629.2 (MANE Select); coding-DNA position 1572, G replaced by A.
Protein change: p.Trp524Ter; replaces tryptophan 524 with a stop codon.
Molecular consequence: nonsense.
Genome position (GRCh38, 1-based): chr9:35,074,991, C>T on the plus strand (G>A on the coding strand, the complement: FANCG is on the minus strand). VCF-style: chr9-35074991-C-T. GRCh37 (hg19) VCF-style: chr9-35074988-C-T.
Other names: short protein forms W524*.
Identifiers: ClinVar variation 1224535 (VCV001224535.7), dbSNP rs1461242610, ClinGen allele CA373304035.

ClinVar aggregate classification (germline): Pathogenic. Review status: criteria provided, multiple submitters, no conflicts (2 of 4 stars). 2 submissions from 2 submitters: Pathogenic (2). Last evaluated 2021-06-13.

Conditions:
Fanconi anemia (FA). Also called: Fanconi's anemia. Identifiers: Orphanet 84, MedGen C0015625, MeSH D005199, MONDO:0019391.

gnomAD v4.1: 1 of 1,614,222 alleles (0.000062%); highest among the groups gnomAD compares: Non-Finnish European, 0.000085%; no homozygotes.

Submissions (2):

Labcorp Genetics (formerly Invitae), Labcorp
Classification: Pathogenic for Fanconi anemia. Last evaluated: 2021-06-13. Review status: criteria provided, single submitter. Criteria: Invitae Variant Classification Sherloc (09022015). Collection method: clinical testing. Allele origin: germline.
Comment: This sequence change creates a premature translational stop signal (p.Trp524*) in the FANCG gene. It is expected to result in an absent or disrupted protein product. Loss-of-function variants in FANCG are known to be pathogenic (PMID: 12552564). This variant is not present in population databases (ExAC no frequency). This variant has not been reported in the literature in individuals with FANCG-related conditions. For these reasons, this variant has been classified as Pathogenic.

Dept. of Cytogenetics, ICMR- National Institute of Immunohaematology
Classification: Pathogenic for Fanconi anemia. Review status: criteria provided, single submitter. Criteria: ACMG Guidelines, 2015. Collection method: clinical testing. Allele origin: germline. Affected: yes. Observed: 1 variant allele.

Literature cited by the submitters: PubMed 12552564 (cited by Labcorp Genetics (formerly Invitae), Labcorp).